The following is an entry in ClinVar:

NM_032119.4(ADGRV1):c.14639_14640del (p.Val4879_Ser4880insTer)

Gene: ADGRV1 (adhesion G protein-coupled receptor V1; plus strand). Cytogenetic location: 5q14.3.
Variant type: Microsatellite.
Coding change: c.14639_14640del on transcript NM_032119.4 (MANE Select); coding-DNA positions 14639 to 14640, 2 bases deleted (CT; older notation c.14639_14640delCT).
Protein change: p.Val4879_Ser4880insTer.
Molecular consequence: nonsense. On other transcripts: non-coding transcript variant (1).
Genome position (GRCh38, 1-based): chr5:90,802,860-90,802,861, CT deleted; deleting any 2 consecutive bases within chr5:90,802,857-90,802,861 gives the same sequence; the c. name uses the placement nearest the transcript's 3' end. VCF-style (leftmost placement, unchanged base first): chr5-90802856-GTC-G. GRCh37 (hg19) VCF-style: chr5-90098673-GTC-G.
Other names: c.14639_14640delCT (NM_032119.4).
Identifiers: ClinVar variation 932231 (VCV000932231.4), dbSNP rs780664266, ClinGen allele CA3341773.
Genomic context (GRCh38, chr5:90,802,856, plus strand): 5'-GGTGGACGTTTCTATGGAATGCCAACAATTCTTCAGGAAGCAAAATCTGCTGTCCTTCCA[GTC>G]TCTGAGAAAGCTGCCAATTCTCAGGTAATTGGCCCTGTGTGTGGTTCTCTCAGCAGAACA-3'

ClinVar aggregate classification (germline): Pathogenic. Review status: criteria provided, single submitter (1 of 4 stars). 2 submissions from 2 submitters: Pathogenic (1). 1 of the submissions does not count toward it. Last evaluated 2023-02-01.

Conditions:
Usher syndrome type 2A. Also called: RETINAL DISEASE IN USHER SYNDROME TYPE IIA, MODIFIER OF; USHER SYNDROME, TYPE IIA. Identifiers: Orphanet 231178, Orphanet 886, MedGen C1848634, MONDO:0010169, OMIM 276901.

Submissions (2):

Labcorp Genetics (formerly Invitae), Labcorp
Classification: Pathogenic. Last evaluated: 2023-02-01. Review status: criteria provided, single submitter. Criteria: Invitae Variant Classification Sherloc (09022015). Collection method: clinical testing. Allele origin: germline.
Comment: For these reasons, this variant has been classified as Pathogenic. This premature translational stop signal has been observed in individual(s) with Usher syndrome (PMID: 33089500). This variant is present in population databases (rs780664266, gnomAD 0.003%). This sequence change creates a premature translational stop signal (p.Ser4880*) in the ADGRV1 gene. It is expected to result in an absent or disrupted protein product. Loss-of-function variants in ADGRV1 are known to be pathogenic (PMID: 19357117, 22135276, 22147658, 26226137, 30718709, 31047384, 32467589).

National Institute on Deafness and Communication Disorders, National Institutes of Health
Classification: Pathogenic for Usher syndrome type 2A. Last evaluated: 2019-12-10. Review status: no assertion criteria provided. Collection method: research. Allele origin: germline. Affected: yes. Observed: 1 compound heterozygote. Segregation with disease observed. Not counted in ClinVar's aggregate classification.

Literature cited by the submitters: PubMed 33089500 (cited by Labcorp Genetics (formerly Invitae), Labcorp); PubMed 19357117 (cited by Labcorp Genetics (formerly Invitae), Labcorp); PubMed 22135276 (cited by Labcorp Genetics (formerly Invitae), Labcorp); PubMed 22147658 (cited by Labcorp Genetics (formerly Invitae), Labcorp); PubMed 26226137 (cited by Labcorp Genetics (formerly Invitae), Labcorp); PubMed 30718709 (cited by Labcorp Genetics (formerly Invitae), Labcorp); PubMed 31047384 (cited by Labcorp Genetics (formerly Invitae), Labcorp); PubMed 32467589 (cited by Labcorp Genetics (formerly Invitae), Labcorp).